The following is an entry in ClinVar:

NM_015559.3(SETBP1):c.3598G>A (p.Val1200Met)

Gene: SETBP1 (SET binding protein 1; plus strand). Cytogenetic location: 18q12.3.
Variant type: single nucleotide variant.
Coding change: c.3598G>A on transcript NM_015559.3 (MANE Select); coding-DNA position 3598, G replaced by A.
Protein change: p.Val1200Met; replaces valine 1200 with methionine.
Molecular consequence: missense variant.
Genome position (GRCh38, 1-based): chr18:44,952,938, G>A. VCF-style: chr18-44952938-G-A. GRCh37 (hg19) VCF-style: chr18-42532903-G-A.
Other names: c.3598G>A, p.Val1200Met (NM_001379141.1, NM_001379142.1, NM_001410862.1); short protein forms V1200M.
Identifiers: ClinVar variation 1947725 (VCV001947725.5), dbSNP rs143448706, ClinGen allele CA402324762.
Genomic context (GRCh38, chr18:44,952,938, plus strand): 5'-GGCTTCTCCAGCCACATCCTGAGCGAGCGGCTGAGTAGCGCAGACAAAGAGCTCCCGCTG[G>A]TGAGTGAGAAGAACAAGCATAAGGAGAAACAGAAGCACCAGCACAGCGAAGCCGGCCACA-3'
Protein context (NP_056374.2, residues 1190-1210): LSSADKELPL[Val1200Met]SEKNKHKEKQ

ClinVar aggregate classification (germline): Uncertain significance (1 of 4 stars; one submission).

Submission:

Labcorp Genetics (formerly Invitae), Labcorp
Classification: Uncertain significance. Last evaluated: 2022-05-03. Review status: criteria provided, single submitter. Criteria: Invitae Variant Classification Sherloc (09022015). Collection method: clinical testing. Allele origin: germline.
Comment: This sequence change replaces valine, which is neutral and non-polar, with methionine, which is neutral and non-polar, at codon 1200 of the SETBP1 protein (p.Val1200Met). In summary, the available evidence is currently insufficient to determine the role of this variant in disease. Therefore, it has been classified as a Variant of Uncertain Significance. Algorithms developed to predict the effect of missense changes on protein structure and function output the following: SIFT: "Deleterious"; PolyPhen-2: "Benign"; Align-GVGD: "Class C0". The methionine amino acid residue is found in multiple mammalian species, which suggests that this missense change does not adversely affect protein function. This variant has not been reported in the literature in individuals affected with SETBP1-related conditions. This variant is not present in population databases (gnomAD no frequency).